The following is an entry in ClinVar:

ClinVar aggregate classification (germline): Uncertain significance. Review status: criteria provided, multiple submitters, no conflicts (2 of 4 stars). 3 submissions from 3 submitters: Uncertain significance (3). Last evaluated 2025-12-25.

Conditions:
Inborn genetic diseases. Identifiers: MedGen C0950123, MeSH D030342.
Ullrich congenital muscular dystrophy 2 (UCMD2). Identifiers: Orphanet 75840, MedGen C4225314, MONDO:0014654, OMIM 616470.
Bethlem myopathy 2 (BTHLM2). Identifiers: Orphanet 536516, Orphanet 610, MedGen C4225313, MONDO:0034022, OMIM 616471.

Allele frequency attached by ClinVar (database versions not stated): gnomAD exomes 0.00005; TOPMed 0.00006; gnomAD 0.00007 and 0.00008; ESP Exome Variant Server 0.00008; ExAC 0.00009; 1000 Genomes Project 30x 0.00016; 1000 Genomes Project 0.00020.
gnomAD v4.1: 80 of 1,600,478 alleles (0.005%); highest among the groups gnomAD compares: Middle Eastern, 0.017%; no homozygotes.

Submissions (4):

Labcorp Genetics (formerly Invitae), Labcorp
Classification: Uncertain significance for Bethlem myopathy 2; Ullrich congenital muscular dystrophy 2. Last evaluated: 2025-12-25. Review status: criteria provided, single submitter. Criteria: Invitae Variant Classification Sherloc (09022015). Collection method: clinical testing. Allele origin: germline.
Comment: This sequence change replaces threonine, which is neutral and polar, with methionine, which is neutral and non-polar, at codon 63 of the COL12A1 protein (p.Thr63Met). This variant is present in population databases (rs374544349, gnomAD 0.02%). This variant has not been reported in the literature in individuals affected with COL12A1-related conditions. ClinVar contains an entry for this variant (Variation ID: 567843). An algorithm developed to predict the effect of missense changes on protein structure and function (PolyPhen-2) suggests that this variant is likely to be disruptive. In summary, the available evidence is currently insufficient to determine the role of this variant in disease. Therefore, it has been classified as a Variant of Uncertain Significance.

Ambry Genetics
Classification: Uncertain significance for Inborn genetic diseases. Last evaluated: 2024-12-05. Review status: criteria provided, single submitter. Criteria: Ambry Variant Classification Scheme 2023. Collection method: clinical testing. Allele origin: germline.

GeneDx
Classification: Uncertain significance. Last evaluated: 2022-03-07. Review status: criteria provided, single submitter. Criteria: GeneDx Variant Classification Process June 2021. Collection method: clinical testing. Allele origin: germline. Affected: yes.
Comment: In silico analysis supports that this missense variant does not alter protein structure/function; Has not been previously published as pathogenic or benign to our knowledge

Dr. Peter K. Rogan Lab, Western University
No classification provided (evidence only). Condition: Familial cancer of breast. Review status: no classification provided. Collection method: in vitro. Allele origin: not applicable. Functional consequence: retained intron. Not counted in ClinVar's aggregate classification.

NM_004370.6(COL12A1):c.188C>T (p.Thr63Met)

Gene: COL12A1 (collagen type XII alpha 1 chain; minus strand). Cytogenetic location: 6q13.
Variant type: single nucleotide variant.
Coding change: c.188C>T on transcript NM_004370.6 (MANE Select); coding-DNA position 188, C replaced by T.
Protein change: p.Thr63Met; replaces threonine 63 with methionine.
Molecular consequence: missense variant. On other transcripts: intron variant (1).
Genome position (GRCh38, 1-based): chr6:75,194,833, G>A on the plus strand (C>T on the coding strand, the complement: COL12A1 is on the minus strand). VCF-style: chr6-75194833-G-A. GRCh37 (hg19) VCF-style: chr6-75904549-G-A.
Other names: c.73+7887C>T (NM_080645.3); short protein forms T63M.
Identifiers: ClinVar variation 567843 (VCV000567843.10), dbSNP rs374544349, ClinGen allele CA3894496.